The following is an entry in ClinVar:

ClinVar aggregate classification (germline): Likely pathogenic. Review status: criteria provided, multiple submitters, no conflicts (2 of 4 stars). 2 submissions from 2 submitters: Likely pathogenic (2). Last evaluated 2024-11-01.

Conditions:
Charlevoix-Saguenay spastic ataxia (SACS). Also called: SPASTIC ATAXIA 6, AUTOSOMAL RECESSIVE; AUTOSOMAL RECESSIVE SPASTIC ATAXIA OF CHARLEVOIX-SAGUENAY; Spastic ataxia of Charlevoix-Saguenay. Identifiers: Orphanet 98, MedGen C1849140, MONDO:0010041, OMIM 270550.

Allele frequency attached by ClinVar (database versions not stated): gnomAD exomes below 0.00001.
gnomAD v4.1: 5 of 1,613,814 alleles (0.00031%); highest among the groups gnomAD compares: Non-Finnish European, 0.00034%; no homozygotes.

Submissions (2):

CeGaT Center for Human Genetics Tuebingen
Classification: Likely pathogenic. Last evaluated: 2024-11-01. Review status: criteria provided, single submitter. Criteria: CeGaT Center For Human Genetics Tuebingen Variant Classification Criteria Version 2. Collection method: clinical testing. Allele origin: germline. Affected: yes. Observed: 1 variant allele.
Comment: SACS: PVS1:Strong, PM2

Baylor Genetics
Classification: Likely pathogenic for Charlevoix-Saguenay spastic ataxia. Last evaluated: 2023-10-25. Review status: criteria provided, single submitter. Criteria: ACMG Guidelines, 2015. Collection method: clinical testing. Allele origin: unknown.

NM_014363.6(SACS):c.9833G>A (p.Trp3278Ter)

Gene: SACS (sacsin molecular chaperone; minus strand). Cytogenetic location: 13q12.12.
Variant type: single nucleotide variant.
Coding change: c.9833G>A on transcript NM_014363.6 (MANE Select); coding-DNA position 9833, G replaced by A.
Protein change: p.Trp3278Ter; replaces tryptophan 3278 with a stop codon.
Molecular consequence: nonsense.
Genome position (GRCh38, 1-based): chr13:23,334,043, C>T on the plus strand (G>A on the coding strand, the complement: SACS is on the minus strand). VCF-style: chr13-23334043-C-T. GRCh37 (hg19) VCF-style: chr13-23908182-C-T.
Other names: c.9392G>A, p.Trp3131Ter (NM_001278055.2); short protein forms W3131*, W3278*.
Identifiers: ClinVar variation 2678500 (VCV002678500.15), dbSNP rs2542194050, ClinGen allele CA387513554.